The following is an entry in ClinVar:

NM_032319.3(PRADC1):c.417C>A (p.Ile139=)

Gene: PRADC1 (protease associated domain containing 1; minus strand). Cytogenetic location: 2p13.2.
Variant type: single nucleotide variant.
Coding change: c.417C>A on transcript NM_032319.3 (MANE Select); coding-DNA position 417, C replaced by A.
Protein change: p.Ile139=; no amino-acid change (isoleucine 139 retained).
Molecular consequence: synonymous variant. On other transcripts: non-coding transcript variant (1).
Genome position (GRCh38, 1-based): chr2:73,228,824, G>T on the plus strand (C>A on the coding strand, the complement: PRADC1 is on the minus strand). VCF-style: chr2-73228824-G-T. GRCh37 (hg19) VCF-style: chr2-73455952-G-T.
Identifiers: ClinVar variation 2651027 (VCV002651027.24), dbSNP rs780719049, ClinGen allele CA1711020.

ClinVar aggregate classification (germline): Likely benign (1 of 4 stars; one submission).

Allele frequency attached by ClinVar (database versions not stated): ExAC 0.00001.

Submission:

CeGaT Center for Human Genetics Tuebingen
Classification: Likely benign. Last evaluated: 2022-11-01. Review status: criteria provided, single submitter. Criteria: CeGaT Center For Human Genetics Tuebingen Variant Classification Criteria Version 2. Collection method: clinical testing. Allele origin: germline. Affected: yes. Observed: 1 variant allele.
Comment: PRADC1: BP4, BP7